The following is an entry in ClinVar:

GRCh37/hg19 20q13.2-13.33(chr20:51799648-62916626)x3

Genes: LAMA5 (laminin subunit alpha 5; minus strand), LIME1 (Lck interacting transmembrane adaptor 1; plus strand), TFAP2C (transcription factor AP-2 gamma; plus strand), ZNF831 (zinc finger protein 831; plus strand), TUBB1 (tubulin beta 1 class VI; plus strand) and 113 more. Cytogenetic location: 20q13.2-13.33.
Variant type: copy number gain.
Change: copy number 3 (three copies instead of two) of chr20:51,799,648-62,916,626 (11.12 Mb, GRCh37 coordinates, 1-based), cytogenetic band 20q13.2-13.33.
Identifiers: ClinVar variation 1180535 (VCV001180535.4).

ClinVar aggregate classification (germline): Pathogenic (1 of 4 stars; one submission).

Submission:

Illumina Laboratory Services, Illumina
Classification: Pathogenic. Last evaluated: 2019-08-29. Review status: criteria provided, single submitter. Criteria: ICSL CNVClassificationCriteria Jul2020Prior. Collection method: clinical testing. Allele origin: unknown.
Comment: This CNV is a 11.1 Mb duplication of 20q13.2-13.33, on chromosome 20, (seq[GRCh37]dup(20)(20q13.2q13.33); chr20:g.51799648_62916626dup), which is found in a de novo state. This CNV constitutes a gain encompassing 165 genes and overlaps the well-described 20qter duplication syndrome region. Terminal 20q duplications of similar size have also been reported in patients in the DECIPHER database with clinical phenotypes that include craniofacial dysmorphic features, hypotonia, global developmental delay, dystonia, intellectual disability, and feeding difficulties. Based on the collective evidence, this CNV is classified as pathogenic.